The following is an entry in ClinVar:

ClinVar aggregate classification (germline): Uncertain significance. Review status: criteria provided, multiple submitters, no conflicts (2 of 4 stars). 2 submissions from 2 submitters: Uncertain significance (2). Last evaluated 2025-10-28.

Conditions:
Hypertrophic cardiomyopathy. Also called: HYPERTROPHIC MYOCARDIOPATHY. Identifiers: Orphanet 217569, MedGen C0007194, MeSH D002312, MONDO:0005045, HP:0001639.
Cardiomyopathy (CMYO). Also called: Cardiomyopathies. Identifiers: Orphanet 167848, MedGen C0878544, MONDO:0004994, HP:0001638. Inheritance: Various modes of inheritance.

Submissions (2):

Labcorp Genetics (formerly Invitae), Labcorp
Classification: Uncertain significance for Hypertrophic cardiomyopathy. Last evaluated: 2025-10-28. Review status: criteria provided, single submitter. Criteria: Invitae Variant Classification Sherloc (09022015). Collection method: clinical testing. Allele origin: germline.
Comment: This sequence change replaces tyrosine, which is neutral and polar, with cysteine, which is neutral and slightly polar, at codon 214 of the TPM1 protein (p.Tyr214Cys). This variant is present in population databases (no rsID available, gnomAD 0.0004%). This variant has not been reported in the literature in individuals affected with TPM1-related conditions. ClinVar contains an entry for this variant (Variation ID: 3893745). An algorithm developed to predict the effect of missense changes on protein structure and function (PolyPhen-2) suggests that this variant is likely to be disruptive. In summary, the available evidence is currently insufficient to determine the role of this variant in disease. Therefore, it has been classified as a Variant of Uncertain Significance.

Color Diagnostics, LLC DBA Color Health
Classification: Uncertain significance for Cardiomyopathy. Last evaluated: 2024-11-04. Review status: criteria provided, single submitter. Criteria: ACMG Guidelines, 2015. Collection method: clinical testing. Allele origin: germline.
Comment: This variant deletes two nucleotides and inserts two nucleotides, replacing tyrosine with cysteine at codon 214 of the TPM1 protein. To our knowledge, functional studies have not been reported for this variant. This variant has not been reported in individuals affected with TPM1-related disorders in the literature. This variant has not been identified in the general population by the Genome Aggregation Database (gnomAD). The available evidence is insufficient to determine the role of this variant in disease conclusively. Therefore, this variant is classified as a Variant of Uncertain Significance.

NM_001018005.2(TPM1):c.641_642inv (p.Tyr214Cys)

Gene: TPM1 (tropomyosin 1; plus strand). Cytogenetic location: 15q22.2.
Variant type: Inversion.
Coding change: c.641_642inv on transcript NM_001018005.2 (MANE Select).
Protein change: p.Tyr214Cys; replaces tyrosine 214 with cysteine.
Molecular consequence: missense variant. On other transcripts: non-coding transcript variant (17).
Genome position: GRCh38 VCF-style: chr15-63062216-AC-GT. GRCh37 (hg19) VCF-style: chr15-63354415-AC-GT.
Other names: c.641_642inv, p.Tyr214Cys (NM_000366.6, NM_001018004.2, NM_001018006.2 and 20 more transcripts); c.533_534inv, p.Tyr178Cys (NM_001018008.2, NM_001301289.2, NM_001330344.2 and 9 more transcripts); c.767_768inv, p.Tyr256Cys (NM_001365778.1, NM_001407322.1, NM_001407323.1 and 1 more transcripts); c.641_642delinsGT (NM_001018005.2); short protein forms Y178C, Y214C, Y256C.
Identifiers: ClinVar variation 3893745 (VCV003893745.2).